The following is an entry in ClinVar:

NM_006393.3(NEBL):c.1414C>T (p.Gln472Ter)

Gene: NEBL (nebulette; minus strand). Cytogenetic location: 10p12.31.
Variant type: single nucleotide variant.
Coding change: c.1414C>T on transcript NM_006393.3 (MANE Select); coding-DNA position 1414, C replaced by T.
Protein change: p.Gln472Ter; replaces glutamine 472 with a stop codon.
Molecular consequence: nonsense. On other transcripts: intron variant (9).
Genome position (GRCh38, 1-based): chr10:20,835,548, G>A on the plus strand (C>T on the coding strand, the complement: NEBL is on the minus strand). VCF-style: chr10-20835548-G-A. GRCh37 (hg19) VCF-style: chr10-21124477-G-A.
Other names: c.250-22608C>T (NM_001377326.1, NM_001377327.1, NM_001377328.1); c.358-22608C>T (NM_213569.2, NM_001173484.2, NM_001377322.1); c.301-22608C>T (NM_001377324.1); c.292-22608C>T (NM_001377325.1); c.310-22608C>T (NM_001377323.1); short protein forms Q472*.
Identifiers: ClinVar variation 2192159 (VCV002192159.4), dbSNP rs2491827961, ClinGen allele CA376098239.

ClinVar aggregate classification (germline): Uncertain significance (1 of 4 stars; one submission).

Conditions:
Primary dilated cardiomyopathy (DCM). Also called: Dilated Cardiomyopathy. Identifiers: Orphanet 217604, MedGen C0007193, MeSH D002311, MONDO:0005021, HP:0001644. Inheritance: Various modes of inheritance.

Submission:

Labcorp Genetics (formerly Invitae), Labcorp
Classification: Uncertain significance for Primary dilated cardiomyopathy. Last evaluated: 2022-11-15. Review status: criteria provided, single submitter. Criteria: Invitae Variant Classification Sherloc (09022015). Collection method: clinical testing. Allele origin: germline.
Comment: In summary, the available evidence is currently insufficient to determine the role of this variant in disease. Therefore, it has been classified as a Variant of Uncertain Significance. Algorithms developed to predict the effect of sequence changes on RNA splicing suggest that this variant may disrupt the consensus splice site. This variant has not been reported in the literature in individuals affected with NEBL-related conditions. This variant is not present in population databases (gnomAD no frequency). This sequence change creates a premature translational stop signal (p.Gln472*) in the NEBL gene. It is expected to result in an absent or disrupted protein product. However, the current clinical and genetic evidence is not sufficient to establish whether loss-of-function variants in NEBL cause disease.